The following is an entry in ClinVar:

ClinVar aggregate classification (germline): Uncertain significance (1 of 4 stars; one submission).

Conditions:
Cardiac malformation, cleft lip/palate, microcephaly, and digital anomalies. Also called: CLEFT PALATE, CARDIAC DEFECTS, AND IMPAIRED INTELLECTUAL DEVELOPMENT. Identifiers: MedGen C1832950, MONDO:0010970, OMIM 600987.

Allele frequency attached by ClinVar (database versions not stated): gnomAD exomes below 0.00001; TOPMed 0.00001; gnomAD 0.00003.
gnomAD v4.1: 5 of 1,612,986 alleles (0.00031%); highest among the groups gnomAD compares: African/African-American, 0.0067%; no homozygotes.

Submission:

Labcorp Genetics (formerly Invitae), Labcorp
Classification: Uncertain significance for Cardiac malformation, cleft lip/palate, microcephaly, and digital anomalies. Last evaluated: 2022-03-13. Review status: criteria provided, single submitter. Criteria: Invitae Variant Classification Sherloc (09022015). Collection method: clinical testing. Allele origin: germline.
Comment: In summary, the available evidence is currently insufficient to determine the role of this variant in disease. Therefore, it has been classified as a Variant of Uncertain Significance. Algorithms developed to predict the effect of missense changes on protein structure and function are either unavailable or do not agree on the potential impact of this missense change (SIFT: "Tolerated"; PolyPhen-2: "Probably Damaging"; Align-GVGD: "Class C0"). This variant has not been reported in the literature in individuals affected with MEIS2-related conditions. This variant is present in population databases (no rsID available, gnomAD 0.01%). This sequence change replaces glycine, which is neutral and non-polar, with serine, which is neutral and polar, at codon 382 of the MEIS2 protein (p.Gly382Ser).

NM_170675.5(MEIS2):c.1147+356G>A

Gene: MEIS2 (Meis homeobox 2; minus strand). Cytogenetic location: 15q14.
Variant type: single nucleotide variant.
Coding change: c.1147+356G>A on transcript NM_170675.5 (MANE Select); 356 bases into the intron after coding-DNA position 1147, G replaced by A.
Molecular consequence: intron variant. On other transcripts: missense variant (5), non-coding transcript variant (1).
Genome position (GRCh38, 1-based): chr15:36,894,795, C>T on the plus strand (G>A on the coding strand, the complement: MEIS2 is on the minus strand). VCF-style: chr15-36894795-C-T. GRCh37 (hg19) VCF-style: chr15-37186996-C-T.
Other names: c.1105G>A, p.Gly369Ser (NM_002399.4); c.1144G>A, p.Gly382Ser (NM_170674.5); c.1165G>A, p.Gly389Ser (NM_170677.5); c.1126G>A, p.Gly376Ser (NM_172315.3); c.880G>A, p.Gly294Ser (NM_172316.3); c.1126+356G>A (NM_001220482.2, NM_170676.5); short protein forms G294S, G369S, G376S, G382S, G389S.
Identifiers: ClinVar variation 2418575 (VCV002418575.8), dbSNP rs1189503392, ClinGen allele CA391926536.